The following is an entry in ClinVar:

ClinVar aggregate classification (germline): Uncertain significance. Review status: criteria provided, multiple submitters, no conflicts (2 of 4 stars). 2 submissions from 2 submitters: Uncertain significance (2). Last evaluated 2023-04-11.

Conditions:
Oligodontia-cancer predisposition syndrome. Also called: TOOTH AGENESIS-COLORECTAL CANCER SYNDROME. Identifiers: Orphanet 300576, MedGen C1837750, MONDO:0012075, OMIM 608615. Disease mechanism: loss of function.
Hereditary cancer-predisposing syndrome. Also called: Hereditary neoplastic syndrome; Hereditary Cancer Syndrome; Neoplastic Syndromes, Hereditary; Tumor predisposition. Identifiers: Orphanet 140162, MedGen C0027672, MeSH D009386, MONDO:0015356.

Submissions (2):

Ambry Genetics
Classification: Uncertain significance for Hereditary cancer-predisposing syndrome. Last evaluated: 2023-04-11. Review status: criteria provided, single submitter. Criteria: Ambry Variant Classification Scheme 2023. Collection method: clinical testing. Allele origin: germline.
Comment: The p.Q89P variant (also known as c.266A>C), located in coding exon 1 of the AXIN2 gene, results from an A to C substitution at nucleotide position 266. The glutamine at codon 89 is replaced by proline, an amino acid with similar properties. This amino acid position is conserved. In addition, the in silico prediction for this alteration is inconclusive. Since supporting evidence is limited at this time, the clinical significance of this alteration remains unclear.

Labcorp Genetics (formerly Invitae), Labcorp
Classification: Uncertain significance for Oligodontia-cancer predisposition syndrome. Last evaluated: 2021-06-30. Review status: criteria provided, single submitter. Criteria: Invitae Variant Classification Sherloc (09022015). Collection method: clinical testing. Allele origin: germline.
Comment: This sequence change replaces glutamine with proline at codon 89 of the AXIN2 protein (p.Gln89Pro). The glutamine residue is highly conserved and there is a moderate physicochemical difference between glutamine and proline. This variant is not present in population databases (ExAC no frequency). This variant has not been reported in the literature in individuals affected with AXIN2-related conditions. Algorithms developed to predict the effect of missense changes on protein structure and function are either unavailable or do not agree on the potential impact of this missense change (SIFT: "Deleterious"; PolyPhen-2: "Probably Damaging"; Align-GVGD: "Class C15"). In summary, the available evidence is currently insufficient to determine the role of this variant in disease. Therefore, it has been classified as a Variant of Uncertain Significance.

NM_004655.4(AXIN2):c.266A>C (p.Gln89Pro)

Gene: AXIN2 (axin 2; minus strand). Cytogenetic location: 17q24.1.
Variant type: single nucleotide variant.
Coding change: c.266A>C on transcript NM_004655.4 (MANE Select); coding-DNA position 266, A replaced by C.
Protein change: p.Gln89Pro; replaces glutamine 89 with proline.
Molecular consequence: missense variant.
Genome position (GRCh38, 1-based): chr17:65,558,355, T>G on the plus strand (A>C on the coding strand, the complement: AXIN2 is on the minus strand). VCF-style: chr17-65558355-T-G. GRCh37 (hg19) VCF-style: chr17-63554473-T-G.
Other names: c.266A>C (NM_004655.3); c.266A>C, p.Gln89Pro (NM_001363813.1); short protein forms Q89P.
Identifiers: ClinVar variation 1405248 (VCV001405248.9), dbSNP rs1258020418, ClinGen allele CA400681779.
Genomic context (GRCh38, chr17:65,558,355, plus strand): 5'-TCTAAGGTATCCACGCATTTCTCCCTCTCCAGGAAAGTTCGGAACAGGTAAGCACCGTCT[T>G]GATCGCCCAATAAGGAGTGTAAGGACTTGGTCCACCGGGTCAGAGGGGAATCCGGAGATG-3'
Protein context (NP_004646.3, residues 79-99): TKSLHSLLGD[Gln89Pro]DGAYLFRTFL